The following is an entry in ClinVar:

NM_001098816.3(TENM4):c.3412G>A (p.Val1138Met)

Gene: TENM4 (teneurin transmembrane protein 4; minus strand). Cytogenetic location: 11q14.1.
Variant type: single nucleotide variant.
Coding change: c.3412G>A on transcript NM_001098816.3 (MANE Select); coding-DNA position 3412, G replaced by A.
Protein change: p.Val1138Met; replaces valine 1138 with methionine.
Molecular consequence: missense variant.
Genome position (GRCh38, 1-based): chr11:78,726,217, C>T on the plus strand (G>A on the coding strand, the complement: TENM4 is on the minus strand). VCF-style: chr11-78726217-C-T. GRCh37 (hg19) VCF-style: chr11-78437262-C-T.
Other names: short protein forms V1138M.
Identifiers: ClinVar variation 219135 (VCV000219135.4), dbSNP rs538881762, ClinGen allele CA251321.
Genomic context (GRCh38, chr11:78,726,217, plus strand): 5'-GCACTGTTGTTCTTTTTTCCCACAGGATTAGATCTGGGCAGGATTCATATTCATAACCCA[C>T]GGAAACTGTAGGTGACAGAATGAGGCAAAATGCATAAGTGAGCAAAGCCCACTCTTTGGC-3'
Protein context (NP_001092286.2, residues 1128-1148): VFGLSEAFVS[Val1138Met]GYEYESCPDL

ClinVar aggregate classification (germline): Uncertain significance. Review status: criteria provided, multiple submitters, no conflicts (2 of 4 stars). 4 submissions from 4 submitters: Uncertain significance (3). 1 of the submissions does not count toward it. Last evaluated 2024-02-01.

Conditions:
Tremor, hereditary essential, 5 (ETM5). Identifiers: MedGen C4225223, MONDO:0014756, OMIM 616736.

Allele frequency attached by ClinVar (database versions not stated): gnomAD 0.00004 and 0.00015; TOPMed 0.00006; gnomAD exomes 0.00023; ExAC 0.00047; 1000 Genomes Project 0.00060; 1000 Genomes Project 30x 0.00062.
gnomAD v4.1: 369 of 1,613,592 alleles (0.023%); highest among the groups gnomAD compares: South Asian, 0.34%; 2 homozygotes.

Submissions (4):

Neuberg Centre For Genomic Medicine, NCGM
Classification: Uncertain significance for Tremor, hereditary essential, 5. Last evaluated: 2024-02-01. Review status: criteria provided, single submitter. Criteria: ACMG Guidelines, 2015. Collection method: clinical testing. Allele origin: germline. Inheritance: Autosomal dominant inheritance.
Comment: The observed variant c.3412G>A(p.Val1138Met) in TENM4 gene has been reported previously in two individuals with Essential tremor. Experimental studies have shown that this missense impact the function of the protein and exert a likely dominantnegative effect (Hor, Hyun et al., 2015). Incomplete penetrance has been reported. Hence, this variant is classified as Uncertain Significance.

Department of Pathology and Laboratory Medicine, Sinai Health System
Classification: Uncertain significance for Tremor, hereditary essential, 5. Last evaluated: 2023-05-15. Review status: criteria provided, single submitter. Criteria: ACMG Guidelines, 2015. Collection method: research. Allele origin: germline.

Mendelics
Classification: Uncertain significance. Last evaluated: 2022-05-04. Review status: criteria provided, single submitter. Criteria: Mendelics Assertion Criteria 2019. Collection method: clinical testing. Allele origin: germline.

OMIM
Classification: Pathogenic for TREMOR, HEREDITARY ESSENTIAL, 5. Last evaluated: 2015-10-15. Review status: no assertion criteria provided. Collection method: literature only. Allele origin: germline. Not counted in ClinVar's aggregate classification.

Literature cited by the submitters: PubMed 26188006 (cited by OMIM).